The following is an entry in ClinVar:

ClinVar aggregate classification (germline): Likely pathogenic (1 of 4 stars; one submission).

Conditions:
Cerebellar dysfunction with variable cognitive and behavioral abnormalities (CECBA). Also called: Nonprogressive cerebellar atxia with intellectual disability. Identifiers: Orphanet 314647, MedGen C3553661, MONDO:0013886, OMIM 614756.

Submission:

Illumina Laboratory Services, Illumina
Classification: Likely pathogenic for Cerebellar dysfunction with variable cognitive and behavioral abnormalities. Last evaluated: 2023-10-24. Review status: criteria provided, single submitter. Criteria: ICSLVariantClassificationCriteria RUGD 01 April 2020. Collection method: clinical testing. Allele origin: unknown.
Comment: The CAMTA1 c.116-17_117del variant results in the deletion of 19 nucleotides in the splice region of intron 2, including the consensus splice acceptor site, which may result in splicing defects. To our knowledge, this variant has not been reported in the peer-reviewed literature. The c.116-17_117del variant is not observed in version 2.1.1 or version 3.1.2 of the Genome Aggregation Database. Based on the available evidence, the c.116-17_117del variant is classified as likely pathogenic for cerebellar dysfunction with variable cognitive and behavioral abnormalities.

NM_015215.4(CAMTA1):c.116-17_117del

Gene: CAMTA1 (calmodulin binding transcription activator 1; plus strand). Cytogenetic location: 1p36.31.
Variant type: Deletion.
Coding change: c.116-17_117del on transcript NM_015215.4 (MANE Select); 17 bases into the intron before coding-DNA position 116 through coding-DNA position 117, 19 bases deleted (TGTTTTCTTCTTTGTAGAT).
Molecular consequence: splice acceptor variant.
Genome position (GRCh38, 1-based): chr1:6,825,075-6,825,093, TGTTTTCTTCTTTGTAGAT deleted; deleting any 19 consecutive bases within chr1:6,825,073-6,825,093 gives the same sequence; the c. name uses the placement nearest the transcript's 3' end. VCF-style (leftmost placement, unchanged base first): chr1-6825072-TATTGTTTTCTTCTTTGTAG-T. GRCh37 (hg19) VCF-style: chr1-6885132-TATTGTTTTCTTCTTTGTAG-T.
Other names: c.116-17_117del (NM_001349609.2, NM_001349610.2, NM_001410737.1 and 3 more transcripts); c.26-17_27del (NM_001349608.2, NM_001349612.2); c.152-17_153del (NM_001349627.2).
Identifiers: ClinVar variation 3893251 (VCV003893251.1).
Genomic context (GRCh38, chr1:6,825,072, plus strand): 5'-CTATTTCTGACTTTGTCAGTGTACTTTAAAGGAGATTTTATCTATTATTTTCTCTAAATT[TATTGTTTTCTTCTTTGTAG>T]ATGATCATGGGAACAGCAATAGTAGTCATGTAAAAATCTTTTTACCGAAAAAGCTGCTTG-3'